The following is an entry in ClinVar:

NM_020738.4(KIDINS220):c.3250C>G (p.Leu1084Val)

Gene: KIDINS220 (kinase D interacting substrate 220; minus strand). Cytogenetic location: 2p25.1.
Variant type: single nucleotide variant.
Coding change: c.3250C>G on transcript NM_020738.4 (MANE Select); coding-DNA position 3250, C replaced by G.
Protein change: p.Leu1084Val; replaces leucine 1084 with valine.
Molecular consequence: missense variant. On other transcripts: non-coding transcript variant (2).
Genome position (GRCh38, 1-based): chr2:8,750,276, G>C on the plus strand (C>G on the coding strand, the complement: KIDINS220 is on the minus strand). VCF-style: chr2-8750276-G-C. GRCh37 (hg19) VCF-style: chr2-8890406-G-C.
Other names: c.3253C>G, p.Leu1085Val (NM_001348729.2, NM_001348731.2, NM_001348734.2 and 2 more transcripts); c.3250C>G, p.Leu1084Val (NM_001348732.2, NM_001348735.2, NM_001348738.2 and 3 more transcripts); c.3124C>G, p.Leu1042Val (NM_001348736.2); short protein forms L1085V, L1042V, L1084V.
Identifiers: ClinVar variation 4622915 (VCV004622915.2).

ClinVar aggregate classification (germline): Uncertain significance. Review status: criteria provided, multiple submitters, no conflicts (2 of 4 stars). 2 submissions from 2 submitters: Uncertain significance (2). Last evaluated 2025-10-18.

Conditions:
Inborn genetic diseases. Identifiers: MedGen C0950123, MeSH D030342.
KIDINS220-related disorder. Also called: KIDINS220-related condition.

Submissions (2):

Ambry Genetics
Classification: Uncertain significance for Inborn genetic diseases. Last evaluated: 2025-10-18. Review status: criteria provided, single submitter. Criteria: Ambry Variant Classification Scheme 2023. Collection method: clinical testing. Allele origin: germline.

PreventionGenetics, part of Exact Sciences
Classification: Uncertain significance for KIDINS220-related condition. Last evaluated: 2024-10-19. Review status: criteria provided, single submitter. Criteria: ACMG Guidelines, 2015. Collection method: clinical testing. Allele origin: germline.
Comment: The KIDINS220 c.3250C>G variant is predicted to result in the amino acid substitution p.Leu1084Val. To our knowledge, this variant has not been reported in the literature or in a large population database (gnomAD), indicating this variant is rare. At this time, the clinical significance of this variant is uncertain due to the absence of conclusive functional and genetic evidence.